The following is an entry in ClinVar:

NM_001171613.2(PREPL):c.1105A>G (p.Met369Val)

Gene: PREPL (prolyl endopeptidase like; minus strand). Cytogenetic location: 2p21.
Variant type: single nucleotide variant.
Coding change: c.1105A>G on transcript NM_001171613.2 (MANE Select); coding-DNA position 1105, A replaced by G.
Protein change: p.Met369Val; replaces methionine 369 with valine.
Molecular consequence: missense variant.
Genome position (GRCh38, 1-based): chr2:44,329,094, T>C on the plus strand (A>G on the coding strand, the complement: PREPL is on the minus strand). VCF-style: chr2-44329094-T-C. GRCh37 (hg19) VCF-style: chr2-44556233-T-C.
Other names: c.1372A>G, p.Met458Val (NM_006036.4, NM_001171603.1, NM_001171606.2 and 2 more transcripts); c.1186A>G, p.Met396Val (NM_001042385.2); c.1174A>G, p.Met392Val (NM_001042386.2); c.1105A>G, p.Met369Val (NM_001171617.1, NM_001374277.1); short protein forms M392V, M369V, M396V, M458V.
Identifiers: ClinVar variation 1366362 (VCV001366362.5), dbSNP rs182854421, ClinGen allele CA1641228.
Genomic context (GRCh38, chr2:44,329,094, plus strand): 5'-CATGTACCAAGAGAGGTTTCTTCTGCAAGTCCTCAGAGTCAGTTTTGTGGAAAACAGTCA[T>C]TGGCACTAATTTTCCATCCTAGAAATGAAGAATTACTATGTATGTAAAGAAGAGTCTTTT-3'
Protein context (NP_001165084.1, residues 359-379): AKSKDGKLVP[Met369Val]TVFHKTDSED

ClinVar aggregate classification (germline): Uncertain significance. Review status: criteria provided, multiple submitters, no conflicts (2 of 4 stars). 2 submissions from 2 submitters: Uncertain significance (2). Last evaluated 2022-05-30.

Conditions:
Myasthenic syndrome, congenital, 22 (CMS22). Also called: PREPL DEFICIENCY. Identifiers: MedGen C4479088, MONDO:0044299, OMIM 616224.

Allele frequency attached by ClinVar (database versions not stated): TOPMed below 0.00001; gnomAD 0.00001; ExAC 0.00004; gnomAD exomes 0.00004; ESP Exome Variant Server 0.00008; 1000 Genomes Project 0.00020; 1000 Genomes Project 30x 0.00031.
gnomAD v4.1: 15 of 1,601,190 alleles (0.00094%); highest among the groups gnomAD compares: Middle Eastern, 0.033%; no homozygotes.

Submissions (2):

Labcorp Genetics (formerly Invitae), Labcorp
Classification: Uncertain significance for Myasthenic syndrome, congenital, 22. Last evaluated: 2022-05-30. Review status: criteria provided, single submitter. Criteria: Invitae Variant Classification Sherloc (09022015). Collection method: clinical testing. Allele origin: germline.
Comment: This variant is present in population databases (rs182854421, gnomAD 0.01%). This variant has not been reported in the literature in individuals affected with PREPL-related conditions. ClinVar contains an entry for this variant (Variation ID: 1366362). Algorithms developed to predict the effect of missense changes on protein structure and function output the following: SIFT: "Tolerated"; PolyPhen-2: "Benign"; Align-GVGD: "Class C0". The valine amino acid residue is found in multiple mammalian species, which suggests that this missense change does not adversely affect protein function. In summary, the available evidence is currently insufficient to determine the role of this variant in disease. Therefore, it has been classified as a Variant of Uncertain Significance. This sequence change replaces methionine, which is neutral and non-polar, with valine, which is neutral and non-polar, at codon 458 of the PREPL protein (p.Met458Val).

Breakthrough Genomics
Classification: Uncertain significance. Review status: criteria provided, single submitter. Criteria: ACMG Guidelines, 2015. Collection method: not provided. Allele origin: germline. Inheritance: Autosomal recessive inheritance. Affected: yes.